The following is an entry in ClinVar:

ClinVar aggregate classification (germline): Benign. Review status: criteria provided, multiple submitters, no conflicts (2 of 4 stars). 4 submissions from 4 submitters: Benign (3). 1 of the submissions does not count toward it. Last evaluated 2026-02-02.

Conditions:
A2ML1-related disorder. Also called: A2ML1-related condition.

Allele frequency attached by ClinVar (database versions not stated): ExAC 0.00153; gnomAD 0.00512 and 0.00549; TOPMed 0.00558; 1000 Genomes Project 0.00559; gnomAD exomes 0.00045 and 0.00122; ESP Exome Variant Server 0.00562; 1000 Genomes Project 30x 0.00593.
gnomAD v4.1: 1,470 of 1,614,106 alleles (0.091%); highest among the groups gnomAD compares: African/African-American, 1.7%; 13 homozygotes.

Submissions (5):

Labcorp Genetics (formerly Invitae), Labcorp
Classification: Benign. Last evaluated: 2026-02-02. Review status: criteria provided, single submitter. Criteria: Invitae Variant Classification Sherloc (09022015). Collection method: clinical testing. Allele origin: germline.

Women's Health and Genetics/Laboratory Corporation of America, LabCorp
Classification: Benign. Last evaluated: 2020-07-25. Review status: criteria provided, single submitter. Criteria: LabCorp Variant Classification Summary - May 2015. Collection method: clinical testing. Allele origin: germline.

GeneDx
Classification: Benign. Last evaluated: 2017-04-10. Review status: criteria provided, single submitter. Criteria: GeneDx Variant Classification (06012015). Collection method: clinical testing. Allele origin: germline. Affected: yes.
Comment: This variant is considered likely benign or benign based on one or more of the following criteria: it is a conservative change, it occurs at a poorly conserved position in the protein, it is predicted to be benign by multiple in silico algorithms, and/or has population frequency not consistent with disease.

PreventionGenetics, part of Exact Sciences
Classification: Benign for A2ML1-related condition. Last evaluated: 2019-08-07. Review status: no assertion criteria provided. Collection method: clinical testing. Allele origin: germline. Not counted in ClinVar's aggregate classification.
Comment: This variant is classified as benign based on ACMG/AMP sequence variant interpretation guidelines (Richards et al. 2015 PMID: 25741868, with internal and published modifications).

Dr. Peter K. Rogan Lab, Western University
No classification provided (evidence only). Condition: Melanoma. Review status: no classification provided. Collection method: in vitro. Allele origin: not applicable. Functional consequence: retained intron. Not counted in ClinVar's aggregate classification.

NM_144670.6(A2ML1):c.633G>A (p.Val211=)

Gene: A2ML1 (alpha-2-macroglobulin like 1; plus strand). Cytogenetic location: 12p13.31.
Variant type: single nucleotide variant.
Coding change: c.633G>A on transcript NM_144670.6 (MANE Select); coding-DNA position 633, G replaced by A.
Protein change: p.Val211=; no amino-acid change (valine 211 retained).
Molecular consequence: synonymous variant.
Genome position (GRCh38, 1-based): chr12:8,835,656, G>A. VCF-style: chr12-8835656-G-A. GRCh37 (hg19) VCF-style: chr12-8988252-G-A.
Identifiers: ClinVar variation 413813 (VCV000413813.16), dbSNP rs79151946, ClinGen allele CA6435373.